The following is an entry in ClinVar:

ClinVar aggregate classification (germline): Likely benign. Review status: criteria provided, single submitter (1 of 4 stars). 2 submissions from 2 submitters: Likely benign (1). 1 of the submissions does not count toward it. Last evaluated 2024-12-17.

Conditions:
GP1BA-related disorder. Also called: GP1BA-related condition.

Submissions (2):

Women's Health and Genetics/Laboratory Corporation of America, LabCorp
Classification: Likely benign. Last evaluated: 2024-12-17. Review status: criteria provided, single submitter. Criteria: LabCorp Variant Classification Summary - May 2015. Collection method: clinical testing. Allele origin: germline.

PreventionGenetics, part of Exact Sciences
Classification: Likely benign for GP1BA-related condition. Last evaluated: 2022-03-30. Review status: no assertion criteria provided. Collection method: clinical testing. Allele origin: germline. Not counted in ClinVar's aggregate classification.
Comment: This variant is classified as likely benign based on ACMG/AMP sequence variant interpretation guidelines (Richards et al. 2015 PMID: 25741868, with internal and published modifications).

NM_000173.7(GP1BA):c.420C>A (p.Gly140=)

Gene: GP1BA (glycoprotein Ib platelet subunit alpha; plus strand). Cytogenetic location: 17p13.2.
Variant type: single nucleotide variant.
Coding change: c.420C>A on transcript NM_000173.7 (MANE Select); coding-DNA position 420, C replaced by A.
Protein change: p.Gly140=; no amino-acid change (glycine 140 retained).
Molecular consequence: synonymous variant.
Genome position (GRCh38, 1-based): chr17:4,933,024, C>A. VCF-style: chr17-4933024-C-A. GRCh37 (hg19) VCF-style: chr17-4836319-C-A.
Identifiers: ClinVar variation 3036204 (VCV003036204.3), dbSNP rs80195769, ClinGen allele CA8314770.